The following is an entry in ClinVar:

NM_001382391.1(CSPP1):c.3361G>A (p.Gly1121Ser)

Genes: ARFGEF1 (ARF guanine nucleotide exchange factor 1; minus strand), CSPP1 (centrosome and spindle pole associated protein 1; plus strand). Cytogenetic location: 8q13.2.
Variant type: single nucleotide variant.
Coding change: c.3361G>A on transcript NM_001382391.1 (MANE Select); coding-DNA position 3361, G replaced by A.
Protein change: p.Gly1121Ser; replaces glycine 1121 with serine.
Molecular consequence: missense variant. On other transcripts: intron variant (3).
Genome position (GRCh38, 1-based): chr8:67,193,494, G>A. VCF-style: chr8-67193494-G-A. GRCh37 (hg19) VCF-style: chr8-68105729-G-A.
Other names: c.2311G>A, p.Gly771Ser (NM_001291339.2); c.3280G>A, p.Gly1094Ser (NM_001363131.2); c.3166G>A, p.Gly1056Ser (NM_001363132.2); c.3085G>A, p.Gly1029Ser (NM_001363133.2); c.3427G>A, p.Gly1143Ser (NM_001364869.1); c.3247G>A, p.Gly1083Ser (NM_001364870.1); c.3193G>A, p.Gly1065Ser (NM_001438330.1); c.2662G>A, p.Gly888Ser (NM_001438332.1); and 4 more; short protein forms G1029S, G1056S, G1083S, G1094S, G1116S, G1121S, G1143S, G771S.
Identifiers: ClinVar variation 1008382 (VCV001008382.7), dbSNP rs1158377033, ClinGen allele CA371202928.

ClinVar aggregate classification (germline): Uncertain significance (1 of 4 stars; one submission).

Conditions:
Joubert syndrome 21 (JBTS21). Identifiers: MedGen C3810212, MONDO:0014288, OMIM 615636.

Allele frequency attached by ClinVar (database versions not stated): TOPMed below 0.00001; gnomAD 0.00001; gnomAD exomes 0.00001.
gnomAD v4.1: 15 of 1,613,012 alleles (0.00093%); highest among the groups gnomAD compares: East Asian, 0.0022%; no homozygotes.

Submission:

Labcorp Genetics (formerly Invitae), Labcorp
Classification: Uncertain significance for Joubert syndrome 21. Last evaluated: 2023-08-17. Review status: criteria provided, single submitter. Criteria: Invitae Variant Classification Sherloc (09022015). Collection method: clinical testing. Allele origin: germline.
Comment: In summary, the available evidence is currently insufficient to determine the role of this variant in disease. Therefore, it has been classified as a Variant of Uncertain Significance. Algorithms developed to predict the effect of sequence changes on RNA splicing suggest that this variant may disrupt the consensus splice site. An algorithm developed to predict the effect of missense changes on protein structure and function (PolyPhen-2) suggests that this variant is likely to be tolerated. ClinVar contains an entry for this variant (Variation ID: 1008382). This variant has not been reported in the literature in individuals affected with CSPP1-related conditions. This variant is present in population databases (no rsID available, gnomAD 0.002%). This sequence change replaces glycine, which is neutral and non-polar, with serine, which is neutral and polar, at codon 1116 of the CSPP1 protein (p.Gly1116Ser).